The following is an entry in ClinVar:

ClinVar aggregate classification (germline): Uncertain significance (1 of 4 stars; one submission).

gnomAD v4.1: 10 of 1,610,406 alleles (0.00062%); highest among the groups gnomAD compares: Non-Finnish European, 0.00068%; no homozygotes.

Submission:

Labcorp Genetics (formerly Invitae), Labcorp
Classification: Uncertain significance. Last evaluated: 2024-10-15. Review status: criteria provided, single submitter. Criteria: Invitae Variant Classification Sherloc (09022015). Collection method: clinical testing. Allele origin: germline.
Comment: This sequence change replaces arginine, which is basic and polar, with cysteine, which is neutral and slightly polar, at codon 344 of the RCBTB1 protein (p.Arg344Cys). This variant is present in population databases (rs750786096, gnomAD 0.007%). This variant has not been reported in the literature in individuals affected with RCBTB1-related conditions. ClinVar contains an entry for this variant (Variation ID: 1001209). Invitae Evidence Modeling of protein sequence and biophysical properties (such as structural, functional, and spatial information, amino acid conservation, physicochemical variation, residue mobility, and thermodynamic stability) has been performed for this missense variant. However, the output from this modeling did not meet the statistical confidence thresholds required to predict the impact of this variant on RCBTB1 protein function. In summary, the available evidence is currently insufficient to determine the role of this variant in disease. Therefore, it has been classified as a Variant of Uncertain Significance.

NM_018191.4(RCBTB1):c.1030C>T (p.Arg344Cys)

Gene: RCBTB1 (RCC1 and BTB domain containing protein 1; minus strand). Cytogenetic location: 13q14.2.
Variant type: single nucleotide variant.
Coding change: c.1030C>T on transcript NM_018191.4 (MANE Select); coding-DNA position 1030, C replaced by T.
Protein change: p.Arg344Cys; replaces arginine 344 with cysteine.
Molecular consequence: missense variant. On other transcripts: non-coding transcript variant (2).
Genome position (GRCh38, 1-based): chr13:49,549,473, G>A on the plus strand (C>T on the coding strand, the complement: RCBTB1 is on the minus strand). VCF-style: chr13-49549473-G-A. GRCh37 (hg19) VCF-style: chr13-50123609-G-A.
Other names: c.1030C>T, p.Arg344Cys (NM_001352500.2, NM_001352501.2, NM_001352502.2 and 3 more transcripts); c.451C>T, p.Arg151Cys (NM_001352506.2); short protein forms R151C, R344C.
Identifiers: ClinVar variation 1001209 (VCV001001209.7), dbSNP rs750786096, ClinGen allele CA6982703.
Genomic context (GRCh38, chr13:49,549,473, plus strand): 5'-GTAGTACCATTCTTCCTGGGTGGAGGTGGCCCTGCACTTTCTTACCCACAGACAGGAGGC[G>A]CCACGAGACGGCGGGAGTGGCAAAGCAGGCAAACACGTCGTCGGTGCAGGAGAAGTGGGT-3'
Protein context (NP_060661.3, residues 334-354): ACFATPAVSW[Arg344Cys]LLSVEHEDFL